The following is an entry in ClinVar:

NM_016457.5(PRKD2):c.1326G>A (p.Pro442=)

Gene: PRKD2 (protein kinase D2; minus strand). Cytogenetic location: 19q13.32.
Variant type: single nucleotide variant.
Coding change: c.1326G>A on transcript NM_016457.5 (MANE Select); coding-DNA position 1326, G replaced by A.
Protein change: p.Pro442=; no amino-acid change (proline 442 retained).
Molecular consequence: synonymous variant.
Genome position (GRCh38, 1-based): chr19:46,694,125, C>T on the plus strand (G>A on the coding strand, the complement: PRKD2 is on the minus strand). VCF-style: chr19-46694125-C-T. GRCh37 (hg19) VCF-style: chr19-47197382-C-T.
Other names: c.1326G>A, p.Pro442= (NM_001079880.2, NM_001079881.2); c.855G>A, p.Pro285= (NM_001079882.2).
Identifiers: ClinVar variation 3770818 (VCV003770818.13).
Genomic context (GRCh38, chr19:46,694,125, plus strand): 5'-GGTGCCCGGCGGCACAAGGCTGAAGTTCTGGGCGGACTCCACCGTGAGGATTTCTGACAG[C>T]GGAATTTCCTGCAGGACGTGGAACCAGCACAGGTGAGGATGCCAGGCAGACCTTGGAATT-3'
Protein context (NP_057541.2, residues 432-452): NTTNRYYKEI[Pro442=]LSEILTVESA

ClinVar aggregate classification (germline): Likely benign (1 of 4 stars; one submission).

gnomAD v4.1: 89 of 1,613,530 alleles (0.0055%); highest among the groups gnomAD compares: Admixed American, 0.13%; no homozygotes.

Submission:

CeGaT Center for Human Genetics Tuebingen
Classification: Likely benign. Last evaluated: 2025-02-01. Review status: criteria provided, single submitter. Criteria: CeGaT Center For Human Genetics Tuebingen Variant Classification Criteria Version 2. Collection method: clinical testing. Allele origin: germline. Affected: yes. Observed: 1 variant allele.
Comment: PRKD2: BP4, BP7